The following is an entry in ClinVar:

NM_001283009.2(RTEL1):c.980G>T (p.Gly327Val)

Genes: RTEL1 (regulator of telomere elongation helicase 1; plus strand), RTEL1-TNFRSF6B (RTEL1-TNFRSF6B readthrough (NMD candidate); plus strand). Cytogenetic location: 20q13.33.
Variant type: single nucleotide variant.
Coding change: c.980G>T on transcript NM_001283009.2 (MANE Select); coding-DNA position 980, G replaced by T.
Protein change: p.Gly327Val; replaces glycine 327 with valine.
Molecular consequence: missense variant. On other transcripts: non-coding transcript variant (1).
Genome position (GRCh38, 1-based): chr20:63,678,289, G>T. VCF-style: chr20-63678289-G-T. GRCh37 (hg19) VCF-style: chr20-62309642-G-T.
Other names: c.311G>T, p.Gly104Val (NM_001283010.1); c.980G>T, p.Gly327Val (NM_016434.4); c.1052G>T, p.Gly351Val (NM_032957.5); short protein forms G351V, G104V, G327V.
Identifiers: ClinVar variation 3791058 (VCV003791058.1).

ClinVar aggregate classification (germline): Uncertain significance (1 of 4 stars; one submission).

Conditions:
Inborn genetic diseases. Identifiers: MedGen C0950123, MeSH D030342.

gnomAD v4.1: 2 of 1,612,788 alleles (0.00012%); highest among the groups gnomAD compares: South Asian, 0.0011%; no homozygotes.

Submission:

Ambry Genetics
Classification: Uncertain significance for Inborn genetic diseases. Last evaluated: 2025-01-11. Review status: criteria provided, single submitter. Criteria: Ambry Variant Classification Scheme 2023. Collection method: clinical testing. Allele origin: germline.
Comment: The p.G327V variant (also known as c.980G>T), located in coding exon 11 of the RTEL1 gene, results from a G to T substitution at nucleotide position 980. The glycine at codon 327 is replaced by valine, an amino acid with dissimilar properties. This amino acid position is conserved. In addition, this alteration is predicted to be tolerated by in silico analysis. Based on the available evidence, the clinical significance of this variant remains unclear.